The following is an entry in ClinVar:

ClinVar aggregate classification (germline): Uncertain significance (1 of 4 stars; one submission).

Submission:

Labcorp Genetics (formerly Invitae), Labcorp
Classification: Uncertain significance. Last evaluated: 2022-07-14. Review status: criteria provided, single submitter. Criteria: Invitae Variant Classification Sherloc (09022015). Collection method: clinical testing. Allele origin: germline.
Comment: In summary, the available evidence is currently insufficient to determine the role of this variant in disease. Therefore, it has been classified as a Variant of Uncertain Significance. Experimental studies and prediction algorithms are not available or were not evaluated, and the functional significance of this variant is currently unknown. This variant has not been reported in the literature in individuals affected with XRCC4-related conditions. This variant is not present in population databases (gnomAD no frequency). This variant, c.351_353del, is a complex sequence change that results in the deletion of 2 and insertion of 1 amino acid(s) in the XRCC4 protein (p.Glu117_Asn118delinsAsp).

NM_003401.5(XRCC4):c.351_353del (p.Glu117_Asn118delinsAsp)

Gene: XRCC4 (X-ray repair cross complementing 4; plus strand). Cytogenetic location: 5q14.2.
Variant type: Deletion.
Coding change: c.351_353del on transcript NM_003401.5 (MANE Select); coding-DNA positions 351 to 353, 3 bases deleted (AAA; older notation c.351_353delAAA).
Protein change: p.Glu117_Asn118delinsAsp.
Molecular consequence: inframe indel.
Genome position (GRCh38, 1-based): chr5:83,195,805-83,195,807, AAA deleted; deleting any 3 consecutive bases within chr5:83,195,804-83,195,807 gives the same sequence; the c. name uses the placement nearest the transcript's 3' end. VCF-style (leftmost placement, unchanged base first): chr5-83195803-GAAA-G. GRCh37 (hg19) VCF-style: chr5-82491622-GAAA-G.
Other names: c.351_353delAAA, p.Glu117_Asn118delinsAsp (NM_001131022.1); c.351_353del, p.Glu117_Asn118delinsAsp (NM_001318012.3, NM_001318013.2, NM_022406.5 and 1 more transcripts).
Identifiers: ClinVar variation 2122762 (VCV002122762.4), dbSNP rs2479842181, ClinGen allele CA2580073651.
Genomic context (GRCh38, chr5:83,195,803, plus strand): 5'-ATTAACCATGTTTTTCTTTCATTTTAGTTCAGACTTGGTTCCTTCAACCTAGAGAAAGTT[GAAA>G]ACCCAGCTGAAGTCATTAGAGAACTTATTTGTTATTGCTTGGACACCATTGCAGAAAATC-3'